The following is an entry in ClinVar:

ClinVar aggregate classification (germline): Likely pathogenic (1 of 4 stars; one submission).

Submission:

GeneDx
Classification: Likely pathogenic. Last evaluated: 2018-02-13. Review status: criteria provided, single submitter. Criteria: GeneDx Variant Classification (06012015). Collection method: clinical testing. Allele origin: germline. Affected: yes.
Comment: The c.723-2dupA variant in the OCRL gene has not been reported previously as a pathogenic variant nor as a benign variant, to our knowledge. This splice site variant destroys the canonical splice acceptor site in intron 8. It is predicted to cause abnormal gene splicing, either leading to an abnormal message that is subject to nonsense-mediated mRNA decay, or to an abnormal protein product if the message is used for protein translation. The c.723-2dupA variant is not observed in large population cohorts (Lek et al., 2016). A different splice variant that also affects the splice acceptor site in intron 8 (c.723-1G>A) has been reported in an individual with Lowe syndrome (Recker et al., 2015). We interpret c.723-2dupA as a likely pathogenic variant.

NM_000276.4(OCRL):c.723-2dup

Gene: OCRL (OCRL inositol polyphosphate-5-phosphatase; plus strand). Cytogenetic location: Xq26.1.
Variant type: Duplication.
Coding change: c.723-2dup on transcript NM_000276.4 (MANE Select); the canonical splice acceptor site of the intron before coding-DNA position 723, one base duplicated (A; older notation c.723-2dupA).
Molecular consequence: splice acceptor variant.
Genome position (GRCh38, 1-based): chrX:129,560,548, A duplicated. VCF-style (leftmost placement, unchanged base first): chrX-129560547-T-TA. GRCh37 (hg19) VCF-style: chrX-128694524-T-TA.
Other names: c.723-2dupA (NM_000276.3); c.726-2dup (NM_001318784.2); c.723-2dup (NM_001587.4).
Identifiers: ClinVar variation 504320 (VCV000504320.1), dbSNP rs1556345557, ClinGen allele CA658799855.